The following is an entry in ClinVar:

NM_003611.3(OFD1):c.1073A>G (p.Lys358Arg)

Gene: OFD1 (OFD1 centriole and centriolar satellite protein; plus strand). Cytogenetic location: Xp22.2.
Variant type: single nucleotide variant.
Coding change: c.1073A>G on transcript NM_003611.3 (MANE Select); coding-DNA position 1073, A replaced by G.
Protein change: p.Lys358Arg; replaces lysine 358 with arginine.
Molecular consequence: missense variant.
Genome position (GRCh38, 1-based): chrX:13,753,385, A>G. VCF-style: chrX-13753385-A-G. GRCh37 (hg19) VCF-style: chrX-13771504-A-G.
Other names: c.953A>G, p.Lys318Arg (NM_001330209.2); c.653A>G, p.Lys218Arg (NM_001330210.2); short protein forms K218R, K358R, K318R.
Identifiers: ClinVar variation 2047870 (VCV002047870.5), dbSNP rs760840957, ClinGen allele CA10351745.

ClinVar aggregate classification (germline): Uncertain significance. Review status: criteria provided, multiple submitters, no conflicts (2 of 4 stars). 2 submissions from 2 submitters: Uncertain significance (2). Last evaluated 2022-07-28.

Conditions:
Orofaciodigital syndrome I (OFD1). Also called: Papillon-Leage and Psaume Syndrome; OFDS I; Oral-Facial-Digital Syndrome Type I. Identifiers: Orphanet 2750, MedGen C1510460, MONDO:0010702, OMIM 311200.
Joubert syndrome. Also called: Familial aplasia of the vermis; JOUBERT-BOLTSHAUSER SYNDROME. Identifiers: Orphanet 475, MedGen C5979921, MONDO:0018772.

Allele frequency attached by ClinVar (database versions not stated): gnomAD exomes below 0.00001; ExAC 0.00001.
gnomAD v4.1: 1 of 1,208,008 alleles (0.000083%); highest among the groups gnomAD compares: Non-Finnish European, 0.00011%; no homozygotes.

Submissions (2):

Blueprint Genetics
Classification: Uncertain significance. Last evaluated: 2022-07-28. Review status: criteria provided, single submitter. Criteria: ACMG Guidelines, 2015. Collection method: clinical testing. Allele origin: germline.

Labcorp Genetics (formerly Invitae), Labcorp
Classification: Uncertain significance for Orofaciodigital syndrome I; Joubert syndrome. Last evaluated: 2022-06-24. Review status: criteria provided, single submitter. Criteria: Invitae Variant Classification Sherloc (09022015). Collection method: clinical testing. Allele origin: germline.
Comment: In summary, the available evidence is currently insufficient to determine the role of this variant in disease. Therefore, it has been classified as a Variant of Uncertain Significance. Algorithms developed to predict the effect of missense changes on protein structure and function are either unavailable or do not agree on the potential impact of this missense change (SIFT: "Tolerated"; PolyPhen-2: "Possibly Damaging"; Align-GVGD: "Class C0"). This variant has not been reported in the literature in individuals affected with OFD1-related conditions. This variant is present in population databases (rs760840957, gnomAD 0.002%). This sequence change replaces lysine, which is basic and polar, with arginine, which is basic and polar, at codon 358 of the OFD1 protein (p.Lys358Arg).